The following is an entry in ClinVar:

NC_000012.11:g.(?_33021851)_(33031976_?)del

Gene: PKP2 (plakophilin 2; minus strand). Cytogenetic location: 12p11.21.
Variant type: Deletion.
Identifiers: ClinVar variation 1075516 (VCV001075516.1).

ClinVar aggregate classification (germline): Pathogenic (1 of 4 stars; one submission).

Conditions:
Arrhythmogenic right ventricular dysplasia 9 (ARVD9). Also called: ARRHYTHMOGENIC RIGHT VENTRICULAR DYSPLASIA, FAMILIAL, 9; Arrhythmogenic Right Ventricular Dysplasia/Cardiomyopathy 9. Identifiers: MedGen C1836906, MONDO:0012180, OMIM 609040.

Submission:

Labcorp Genetics (formerly Invitae), Labcorp
Classification: Pathogenic for Arrhythmogenic right ventricular dysplasia 9. Last evaluated: 2020-10-20. Review status: criteria provided, single submitter. Criteria: Invitae Variant Classification Sherloc (09022015). Collection method: clinical testing. Allele origin: germline.
Comment: This variant is an out-of-frame deletion of the genomic region encompassing exon(s) 2-4 of the PKP2 gene. This is expected to create a premature translational stop signal and result in an absent or disrupted protein product. This variant has not been reported in the literature in individuals with PKP2-related conditions. Loss-of-function variants in PKP2 are known to be pathogenic (PMID: 15489853, 23911551). For these reasons, this variant has been classified as Pathogenic.

Literature cited by the submitters: PubMed 15489853; PubMed 23911551.